The following is an entry in ClinVar:

NM_000303.3(PMM2):c.737_739del (p.Ser246del)

Gene: PMM2 (phosphomannomutase 2; plus strand). Cytogenetic location: 16p13.2.
Variant type: Deletion.
Coding change: c.737_739del on transcript NM_000303.3 (MANE Select); coding-DNA positions 737 to 739, 3 bases deleted (CCT; older notation c.737_739delCCT).
Protein change: p.Ser246del; deletes serine 246.
Molecular consequence: inframe deletion.
Genome position (GRCh38, 1-based): chr16:8,847,821-8,847,823, CCT deleted; deleting any 3 consecutive bases within chr16:8,847,819-8,847,823 gives the same sequence; the c. name uses the placement nearest the transcript's 3' end. VCF-style (leftmost placement, unchanged base first): chr16-8847818-TCTC-T. GRCh37 (hg19) VCF-style: chr16-8941675-TCTC-T.
Other names: short protein forms S246del.
Identifiers: ClinVar variation 557245 (VCV000557245.6), dbSNP rs764817746, ClinGen allele CA7894217.
Genomic context (GRCh38, chr16:8,847,818, plus strand): 5'-GAACCATGGGCTACTCCGTGACAGCGCCTGAGGACACGCGCAGGATCTGTGAACTGCTGT[TCTC>T]CTAACGTGGGAGCGGGAGGGGCGGGGTCCCGGCTGACAAGCCAGCATAGGGCATTCGGTG-3'

ClinVar aggregate classification (germline): Uncertain significance. Review status: criteria provided, multiple submitters, no conflicts (2 of 4 stars). 3 submissions from 3 submitters: Uncertain significance (2). 1 of the submissions does not count toward it. Last evaluated 2025-08-18.

Conditions:
PMM2-congenital disorder of glycosylation. Also called: PMM2-CDG; Congenital disorder of glycosylation, type Ia; CDG Ia; JAEKEN SYNDROME; PHOSPHOMANNOMUTASE 2 DEFICIENCY; CARBOHYDRATE-DEFICIENT GLYCOPROTEIN SYNDROME, TYPE Ia. Identifiers: Orphanet 79318, MedGen C0349653, MONDO:0008907, OMIM 212065.

Submissions (3):

Labcorp Genetics (formerly Invitae), Labcorp
Classification: Uncertain significance for PMM2-congenital disorder of glycosylation. Last evaluated: 2025-08-18. Review status: criteria provided, single submitter. Criteria: Invitae Variant Classification Sherloc (09022015). Collection method: clinical testing. Allele origin: germline.
Comment: This sequence change creates a premature translational stop signal (p.Ser246*) in the PMM2 gene. While this is not anticipated to result in nonsense mediated decay, it is expected to disrupt the last 1 amino acid(s) of the PMM2 protein. This variant is present in population databases (rs764817746, gnomAD 0.007%). This variant has not been reported in the literature in individuals affected with PMM2-related conditions. ClinVar contains an entry for this variant (Variation ID: 557245). Experimental studies and prediction algorithms are not available or were not evaluated, and the functional significance of this variant is currently unknown. In summary, the available evidence is currently insufficient to determine the role of this variant in disease. Therefore, it has been classified as a Variant of Uncertain Significance.

Fulgent Genetics
Classification: Uncertain significance for PMM2-congenital disorder of glycosylation. Last evaluated: 2024-03-14. Review status: criteria provided, single submitter. Criteria: ACMG Guidelines, 2015. Collection method: clinical testing. Allele origin: germline.

Counsyl
Classification: Uncertain significance for PMM2-congenital disorder of glycosylation. Last evaluated: 2018-03-13. Review status: no assertion criteria provided. Collection method: clinical testing. Allele origin: unknown. Not counted in ClinVar's aggregate classification.